The following is an entry in ClinVar:

NM_000548.5(TSC2):c.2696G>A (p.Arg899Lys)

Gene: TSC2 (TSC complex subunit 2; plus strand). Cytogenetic location: 16p13.3.
Variant type: single nucleotide variant.
Coding change: c.2696G>A on transcript NM_000548.5 (MANE Select); coding-DNA position 2696, G replaced by A.
Protein change: p.Arg899Lys; replaces arginine 899 with lysine.
Molecular consequence: missense variant.
Genome position (GRCh38, 1-based): chr16:2,076,124, G>A. VCF-style: chr16-2076124-G-A. GRCh37 (hg19) VCF-style: chr16-2126125-G-A.
Other names: c.2585G>A, p.Arg862Lys (NM_001406678.1, NM_001406670.1, NM_001318827.2); c.2549G>A, p.Arg850Lys (NM_001406679.1, NM_001406675.1, NM_001406676.1 and 1 more transcripts); c.2096G>A, p.Arg699Lys (NM_001406680.1, NM_001318831.2, NM_001406682.1 and 6 more transcripts); c.2639G>A, p.Arg880Lys (NM_001406677.1); c.2786G>A, p.Arg929Lys (NM_001406668.1, NM_001406667.1); c.2684G>A, p.Arg895Lys (NM_001406671.1, NM_001406673.1); c.2696G>A, p.Arg899Lys (NM_001077183.3, NM_001114382.3, NM_001363528.2 and 6 more transcripts); c.2729G>A, p.Arg910Lys (NM_001318832.2); and 3 more; short protein forms R929K, R451K, R699K, R850K, R880K, R899K, R745K, R895K.
Identifiers: ClinVar variation 2188336 (VCV002188336.4), dbSNP rs2151387855, ClinGen allele CA394279415.

ClinVar aggregate classification (germline): Uncertain significance (1 of 4 stars; one submission).

Conditions:
Tuberous sclerosis 2 (TSC2). Identifiers: Orphanet 805, MedGen C1860707, MONDO:0013199, OMIM 613254.

Submission:

Labcorp Genetics (formerly Invitae), Labcorp
Classification: Uncertain significance for Tuberous sclerosis 2. Last evaluated: 2022-09-13. Review status: criteria provided, single submitter. Criteria: Invitae Variant Classification Sherloc (09022015). Collection method: clinical testing. Allele origin: germline.
Comment: This sequence change replaces arginine, which is basic and polar, with lysine, which is basic and polar, at codon 899 of the TSC2 protein (p.Arg899Lys). This variant is not present in population databases (gnomAD no frequency). This variant has not been reported in the literature in individuals affected with TSC2-related conditions. Advanced modeling of protein sequence and biophysical properties (such as structural, functional, and spatial information, amino acid conservation, physicochemical variation, residue mobility, and thermodynamic stability) performed at Invitae indicates that this missense variant is not expected to disrupt TSC2 protein function. Algorithms developed to predict the effect of sequence changes on RNA splicing suggest that this variant may create or strengthen a splice site. In summary, the available evidence is currently insufficient to determine the role of this variant in disease. Therefore, it has been classified as a Variant of Uncertain Significance.